The following is an entry in ClinVar:

NC_000023.11:g.(?_32454652)_(32699303_?)dup

Gene: DMD (dystrophin; minus strand). Cytogenetic location: Xp21.1.
Variant type: Duplication.
Identifiers: ClinVar variation 833240 (VCV000833240.7).

ClinVar aggregate classification (germline): Likely pathogenic (1 of 4 stars; one submission).

Conditions:
Duchenne muscular dystrophy (DMD). Also called: Duchenne Muscular Dystrophy (DMD); MUSCULAR DYSTROPHY, PSEUDOHYPERTROPHIC PROGRESSIVE, DUCHENNE TYPE. Identifiers: Orphanet 98896, MedGen C0013264, MONDO:0010679, OMIM 310200.

Submission:

Labcorp Genetics (formerly Invitae), Labcorp
Classification: Likely pathogenic for Duchenne muscular dystrophy. Last evaluated: 2022-02-10. Review status: criteria provided, single submitter. Criteria: Invitae Variant Classification Sherloc (09022015). Collection method: clinical testing. Allele origin: germline.
Comment: In summary, the currently available evidence indicates that the variant is pathogenic, but additional data are needed to prove that conclusively. Therefore, this variant has been classified as Likely Pathogenic. A similar copy number variant has been observed in individual(s) with Duchenne muscular dystrophy (PMID: 31705731). This variant results in a copy number gain of the genomic region encompassing exon(s) 8-26 of the DMD gene. While the exact position of this variant cannot be determined from the data, sub-genic copy number gains are generally in tandem (PMID: 25640679). This variant is predicted to be out-of-frame, and may result in an absent or disrupted protein product. Loss-of-function variants in DMD are known to be pathogenic (PMID: 16770791, 25007885).

Literature cited by the submitters: PubMed 31705731; PubMed 25640679; PubMed 16770791; PubMed 25007885.